The following is an entry in ClinVar:

NM_004977.3(KCNC3):c.1700C>T (p.Pro567Leu)

Gene: KCNC3 (potassium voltage-gated channel subfamily C member 3; minus strand). Cytogenetic location: 19q13.33.
Variant type: single nucleotide variant.
Coding change: c.1700C>T on transcript NM_004977.3 (MANE Select); coding-DNA position 1700, C replaced by T.
Protein change: p.Pro567Leu; replaces proline 567 with leucine.
Molecular consequence: missense variant.
Genome position (GRCh38, 1-based): chr19:50,323,253, G>A on the plus strand (C>T on the coding strand, the complement: KCNC3 is on the minus strand). VCF-style: chr19-50323253-G-A. GRCh37 (hg19) VCF-style: chr19-50826510-G-A.
Other names: c.1700C>T (NM_004977.2); c.1472C>T, p.Pro491Leu (NM_001372305.1); short protein forms P567L, P491L.
Identifiers: ClinVar variation 2763802 (VCV002763802.11), dbSNP rs763961794, ClinGen allele CA9594189.

ClinVar aggregate classification (germline): Uncertain significance. Review status: criteria provided, multiple submitters, no conflicts (2 of 4 stars). 3 submissions from 3 submitters: Uncertain significance (3). Last evaluated 2025-06-01.

Conditions:
Inborn genetic diseases. Identifiers: MedGen C0950123, MeSH D030342.

gnomAD v4.1: 19 of 1,600,746 alleles (0.0012%); highest among the groups gnomAD compares: African/African-American, 0.0053%; no homozygotes.

Submissions (3):

CeGaT Center for Human Genetics Tuebingen
Classification: Uncertain significance. Last evaluated: 2025-06-01. Review status: criteria provided, single submitter. Criteria: CeGaT Center For Human Genetics Tuebingen Variant Classification Criteria Version 2. Collection method: clinical testing. Allele origin: germline. Affected: yes. Observed: 1 variant allele.

Ambry Genetics
Classification: Uncertain significance for Inborn genetic diseases. Last evaluated: 2023-12-09. Review status: criteria provided, single submitter. Criteria: Ambry Variant Classification Scheme 2023. Collection method: clinical testing. Allele origin: germline.

Labcorp Genetics (formerly Invitae), Labcorp
Classification: Uncertain significance. Last evaluated: 2023-05-11. Review status: criteria provided, single submitter. Criteria: Invitae Variant Classification Sherloc (09022015). Collection method: clinical testing. Allele origin: germline.
Comment: In summary, the available evidence is currently insufficient to determine the role of this variant in disease. Therefore, it has been classified as a Variant of Uncertain Significance. This sequence change replaces proline, which is neutral and non-polar, with leucine, which is neutral and non-polar, at codon 567 of the KCNC3 protein (p.Pro567Leu). This variant is present in population databases (rs763961794, gnomAD 0.009%). This variant has not been reported in the literature in individuals affected with KCNC3-related conditions. Advanced modeling of protein sequence and biophysical properties (such as structural, functional, and spatial information, amino acid conservation, physicochemical variation, residue mobility, and thermodynamic stability) performed at Invitae indicates that this missense variant is expected to disrupt KCNC3 protein function.